The following is an entry in ClinVar:

ClinVar aggregate classification (germline): Likely benign (0 of 4 stars; one submission).

Conditions:
TGDS-related disorder. Also called: TGDS-related condition.

Allele frequency attached by ClinVar (database versions not stated): gnomAD 0.00001; gnomAD exomes 0.00001; TOPMed 0.00001.
gnomAD v4.1: 18 of 1,547,932 alleles (0.0012%); highest among the groups gnomAD compares: East Asian, 0.0023%; no homozygotes.

Submission:

PreventionGenetics, part of Exact Sciences
Classification: Likely benign for TGDS-related condition. Last evaluated: 2023-10-19. Review status: no assertion criteria provided. Collection method: clinical testing. Allele origin: germline.
Comment: This variant is classified as likely benign based on ACMG/AMP sequence variant interpretation guidelines (Richards et al. 2015 PMID: 25741868, with internal and published modifications).

NM_014305.4(TGDS):c.87-4A>G

Gene: TGDS (TDP-glucose 4,6-dehydratase; minus strand). Cytogenetic location: 13q32.1.
Variant type: single nucleotide variant.
Coding change: c.87-4A>G on transcript NM_014305.4 (MANE Select); 4 bases into the intron before coding-DNA position 87, A replaced by G.
Molecular consequence: intron variant.
Genome position (GRCh38, 1-based): chr13:94,593,911, T>C on the plus strand (A>G on the coding strand, the complement: TGDS is on the minus strand). VCF-style: chr13-94593911-T-C. GRCh37 (hg19) VCF-style: chr13-95246165-T-C.
Other names: c.-10-4A>G (NM_001304430.2).
Identifiers: ClinVar variation 3044079 (VCV003044079.2), dbSNP rs1420432784, ClinGen allele CA611415739.